The following is an entry in ClinVar:

NM_006118.4(HAX1):c.761A>G (p.Glu254Gly)

Gene: HAX1 (HCLS1 associated protein X-1; plus strand). Cytogenetic location: 1q21.3.
Variant type: single nucleotide variant.
Coding change: c.761A>G on transcript NM_006118.4 (MANE Select); coding-DNA position 761, A replaced by G.
Protein change: p.Glu254Gly; replaces glutamic acid 254 with glycine.
Molecular consequence: missense variant.
Genome position (GRCh38, 1-based): chr1:154,275,622, A>G. VCF-style: chr1-154275622-A-G. GRCh37 (hg19) VCF-style: chr1-154248098-A-G.
Other names: c.617A>G, p.Glu206Gly (NM_001018837.2); short protein forms E206G, E254G.
Identifiers: ClinVar variation 4858274 (VCV004858274.1).

ClinVar aggregate classification (germline): Uncertain significance (1 of 4 stars; one submission).

Conditions:
Inborn genetic diseases. Identifiers: MedGen C0950123, MeSH D030342.

gnomAD v4.1: 3 of 1,613,408 alleles (0.00019%); highest among the groups gnomAD compares: Admixed American, 0.005%; no homozygotes.

Submission:

Ambry Genetics
Classification: Uncertain significance for Inborn genetic diseases. Last evaluated: 2026-04-28. Review status: criteria provided, single submitter. Criteria: Ambry Variant Classification Scheme 2023. Collection method: clinical testing. Allele origin: germline.
Comment: The p.E254G variant (also known as c.761A>G), located in coding exon 7 of the HAX1 gene, results from an A to G substitution at nucleotide position 761. The glutamic acid at codon 254 is replaced by glycine, an amino acid with similar properties. This amino acid position is conserved. In addition, this alteration is predicted to be tolerated by in silico analysis. Based on the available evidence, the clinical significance of this variant remains unclear.